The following is an entry in ClinVar:

NM_005559.4(LAMA1):c.103A>G (p.Ile35Val)

Gene: LAMA1 (laminin subunit alpha 1; minus strand). Cytogenetic location: 18p11.31.
Variant type: single nucleotide variant.
Coding change: c.103A>G on transcript NM_005559.4 (MANE Select); coding-DNA position 103, A replaced by G.
Protein change: p.Ile35Val; replaces isoleucine 35 with valine.
Molecular consequence: missense variant.
Genome position (GRCh38, 1-based): chr18:7,080,416, T>C on the plus strand (A>G on the coding strand, the complement: LAMA1 is on the minus strand). VCF-style: chr18-7080416-T-C. GRCh37 (hg19) VCF-style: chr18-7080415-T-C.
Other names: short protein forms I35V.
Identifiers: ClinVar variation 1714767 (VCV001714767.5), dbSNP rs2510109925, ClinGen allele CA401849083.

ClinVar aggregate classification (germline): Uncertain significance (1 of 4 stars; one submission).

Allele frequency attached by ClinVar (database versions not stated): gnomAD exomes below 0.00001.
gnomAD v4.1: 5 of 1,614,262 alleles (0.00031%); highest among the groups gnomAD compares: Non-Finnish European, 0.00042%; no homozygotes.

Submission:

Labcorp Genetics (formerly Invitae), Labcorp
Classification: Uncertain significance. Last evaluated: 2022-08-11. Review status: criteria provided, single submitter. Criteria: Invitae Variant Classification Sherloc (09022015). Collection method: clinical testing. Allele origin: germline.
Comment: In summary, the available evidence is currently insufficient to determine the role of this variant in disease. Therefore, it has been classified as a Variant of Uncertain Significance. Algorithms developed to predict the effect of missense changes on protein structure and function (SIFT, PolyPhen-2, Align-GVGD) all suggest that this variant is likely to be disruptive. This variant has not been reported in the literature in individuals affected with LAMA1-related conditions. This variant is not present in population databases (gnomAD no frequency). This sequence change replaces isoleucine, which is neutral and non-polar, with valine, which is neutral and non-polar, at codon 35 of the LAMA1 protein (p.Ile35Val).